The following is an entry in ClinVar:

NM_015352.2(POFUT1):c.542+11G>C

Gene: POFUT1 (protein O-fucosyltransferase 1; plus strand). Cytogenetic location: 20q11.21.
Variant type: single nucleotide variant.
Coding change: c.542+11G>C on transcript NM_015352.2 (MANE Select); 11 bases into the intron after coding-DNA position 542, G replaced by C.
Molecular consequence: intron variant.
Genome position (GRCh38, 1-based): chr20:32,216,732, G>C. VCF-style: chr20-32216732-G-C. GRCh37 (hg19) VCF-style: chr20-30804535-G-C.
Other names: c.542+11G>C (NM_172236.2).
Identifiers: ClinVar variation 1170434 (VCV001170434.12), dbSNP rs139014980, ClinGen allele CA9807247.

ClinVar aggregate classification (germline): Benign/Likely benign. Review status: criteria provided, multiple submitters, no conflicts (2 of 4 stars). 3 submissions from 3 submitters: Benign (2); Likely benign (1). Last evaluated 2026-01-15.

Conditions:
Dowling-Degos disease 2 (DDD2). Identifiers: Orphanet 79145, MedGen C3809147, MONDO:0014130, OMIM 615327.

Allele frequency attached by ClinVar (database versions not stated): 1000 Genomes Project 30x 0.00578; 1000 Genomes Project 0.00619; ESP Exome Variant Server 0.01392.

Submissions (3):

Labcorp Genetics (formerly Invitae), Labcorp
Classification: Benign for Dowling-Degos disease 2. Last evaluated: 2026-01-15. Review status: criteria provided, single submitter. Criteria: Invitae Variant Classification Sherloc (09022015). Collection method: clinical testing. Allele origin: germline.

GeneDx
Classification: Likely benign. Last evaluated: 2019-04-09. Review status: criteria provided, single submitter. Criteria: GeneDx Variant Classification Process June 2021. Collection method: clinical testing. Allele origin: germline. Affected: yes.
Comment: See Variant Classification Assertion Criteria.

Breakthrough Genomics
Classification: Benign. Review status: criteria provided, single submitter. Criteria: ACMG Guidelines, 2015. Collection method: not provided. Allele origin: germline. Inheritance: Autosomal dominant inheritance. Affected: yes.